The following is an entry in ClinVar:

ClinVar aggregate classification (germline): Uncertain significance (1 of 4 stars; one submission).

Conditions:
Gastrointestinal stromal tumor. Also called: Gastrointestinal stroma tumor; Gastrointestinal stromal tumor, somatic. Identifiers: Orphanet 44890, MedGen C0238198, MeSH D046152, MONDO:0011719, OMIM 606764, HP:0100723.

Submission:

Labcorp Genetics (formerly Invitae), Labcorp
Classification: Uncertain significance for Gastrointestinal stromal tumor. Last evaluated: 2023-12-06. Review status: criteria provided, single submitter. Criteria: Invitae Variant Classification Sherloc (09022015). Collection method: clinical testing. Allele origin: germline.
Comment: This sequence change replaces glutamic acid, which is acidic and polar, with lysine, which is basic and polar, at codon 925 of the KIT protein (p.Glu925Lys). This variant is not present in population databases (gnomAD no frequency). This variant has not been reported in the literature in individuals affected with KIT-related conditions. ClinVar contains an entry for this variant (Variation ID: 2128092). An algorithm developed to predict the effect of missense changes on protein structure and function (PolyPhen-2) suggests that this variant is likely to be disruptive. In summary, the available evidence is currently insufficient to determine the role of this variant in disease. Therefore, it has been classified as a Variant of Uncertain Significance.

NM_000222.3(KIT):c.2773G>A (p.Glu925Lys)

Gene: KIT (KIT proto-oncogene, receptor tyrosine kinase; plus strand). Cytogenetic location: 4q12.
Variant type: single nucleotide variant.
Coding change: c.2773G>A on transcript NM_000222.3 (MANE Select); coding-DNA position 2773, G replaced by A.
Protein change: p.Glu925Lys; replaces glutamic acid 925 with lysine.
Molecular consequence: missense variant.
Genome position (GRCh38, 1-based): chr4:54,737,251, G>A. VCF-style: chr4-54737251-G-A. GRCh37 (hg19) VCF-style: chr4-55603417-G-A.
Other names: c.2761G>A, p.Glu921Lys (NM_001385292.1, NM_001093772.2); c.2776G>A, p.Glu926Lys (NM_001385284.1); c.2770G>A, p.Glu924Lys (NM_001385285.1); c.2758G>A, p.Glu920Lys (NM_001385286.1); c.2764G>A, p.Glu922Lys (NM_001385288.1); c.2773G>A, p.Glu925Lys (NM_001385290.1); short protein forms E925K, E920K, E921K, E922K, E924K, E926K.
Identifiers: ClinVar variation 2128092 (VCV002128092.4), dbSNP rs1722972689, ClinGen allele CA356914502.